The following is an entry in ClinVar:

NM_005754.3(G3BP1):c.347C>T (p.Pro116Leu)

Gene: G3BP1 (G3BP stress granule assembly factor 1; plus strand). Cytogenetic location: 5q33.1.
Variant type: single nucleotide variant.
Coding change: c.347C>T on transcript NM_005754.3 (MANE Select); coding-DNA position 347, C replaced by T.
Protein change: p.Pro116Leu; replaces proline 116 with leucine.
Molecular consequence: missense variant.
Genome position (GRCh38, 1-based): chr5:151,791,058, C>T. VCF-style: chr5-151791058-C-T. GRCh37 (hg19) VCF-style: chr5-151170619-C-T.
Other names: c.347C>T, p.Pro116Leu (NM_198395.2); short protein forms P116L.
Identifiers: ClinVar variation 3367421 (VCV003367421.1).

ClinVar aggregate classification (germline): Uncertain significance (1 of 4 stars; one submission).

Submission:

GeneDx
Classification: Uncertain significance. Last evaluated: 2023-12-29. Review status: criteria provided, single submitter. Criteria: GeneDx Variant Classification Process June 2021. Collection method: clinical testing. Allele origin: germline. Affected: yes.
Comment: Not observed at significant frequency in large population cohorts (gnomAD); In silico analysis supports that this missense variant has a deleterious effect on protein structure/function; Has not been previously published as pathogenic or benign to our knowledge